The following is an entry in ClinVar:

NM_001122630.2(CDKN1C):c.172A>G (p.Met58Val)

Gene: CDKN1C (cyclin dependent kinase inhibitor 1C; minus strand). Cytogenetic location: 11p15.4.
Variant type: single nucleotide variant.
Coding change: c.172A>G on transcript NM_001122630.2 (MANE Select); coding-DNA position 172, A replaced by G.
Protein change: p.Met58Val; replaces methionine 58 with valine.
Molecular consequence: missense variant.
Genome position (GRCh38, 1-based): chr11:2,885,285, T>C on the plus strand (A>G on the coding strand, the complement: CDKN1C is on the minus strand). VCF-style: chr11-2885285-T-C. GRCh37 (hg19) VCF-style: chr11-2906515-T-C.
Other names: c.205A>G, p.Met69Val (NM_001362474.2, NM_000076.2); c.172A>G, p.Met58Val (NM_001362475.2, NM_001122631.2); short protein forms M69V, M58V.
Identifiers: ClinVar variation 2821236 (VCV002821236.3), dbSNP rs2494389907, ClinGen allele CA379147402.
Genomic context (GRCh38, chr11:2,885,285, plus strand): 5'-CGGGCACCGAGTCGCTGTCCACTTCGGTCCACTGCAGGCGTCCAGGGCCCCGCAGCGGCA[T>C]GTCCTGCTGGAAGTCGTAATCCCAGCGGTTCTGGTCCTCGGCGTTCAGCTCGGCCAGGCG-3'
Protein context (NP_001116102.1, residues 48-68): NRWDYDFQQD[Met58Val]PLRGPGRLQW

ClinVar aggregate classification (germline): Uncertain significance (1 of 4 stars; one submission).

Conditions:
Beckwith-Wiedemann syndrome (BWS). Also called: EMG SYNDROME; Exomphalos macroglossia gigantism syndrome. Identifiers: Orphanet 116, MedGen C0004903, MONDO:0007534, OMIM 130650.

Allele frequency attached by ClinVar (database versions not stated): gnomAD exomes below 0.00001.

Submission:

Labcorp Genetics (formerly Invitae), Labcorp
Classification: Uncertain significance for Beckwith-Wiedemann syndrome. Last evaluated: 2023-09-10. Review status: criteria provided, single submitter. Criteria: Invitae Variant Classification Sherloc (09022015). Collection method: clinical testing. Allele origin: germline.
Comment: This sequence change replaces methionine, which is neutral and non-polar, with valine, which is neutral and non-polar, at codon 69 of the CDKN1C protein (p.Met69Val). In summary, the available evidence is currently insufficient to determine the role of this variant in disease. Therefore, it has been classified as a Variant of Uncertain Significance. Advanced modeling of protein sequence and biophysical properties (such as structural, functional, and spatial information, amino acid conservation, physicochemical variation, residue mobility, and thermodynamic stability) performed at Invitae indicates that this missense variant is not expected to disrupt CDKN1C protein function. This variant has not been reported in the literature in individuals affected with CDKN1C-related conditions. This variant is not present in population databases (gnomAD no frequency).